The following is an entry in ClinVar:

NM_002641.4(PIGA):c.526T>G (p.Cys176Gly)

Gene: PIGA (phosphatidylinositol glycan anchor biosynthesis class A; minus strand). Cytogenetic location: Xp22.2.
Variant type: single nucleotide variant.
Coding change: c.526T>G on transcript NM_002641.4 (MANE Select); coding-DNA position 526, T replaced by G.
Protein change: p.Cys176Gly; replaces cysteine 176 with glycine.
Molecular consequence: missense variant. On other transcripts: intron variant (1).
Genome position (GRCh38, 1-based): chrX:15,331,405, A>C on the plus strand (T>G on the coding strand, the complement: PIGA is on the minus strand). VCF-style: chrX-15331405-A-C. GRCh37 (hg19) VCF-style: chrX-15349527-A-C.
Other names: c.13+4096T>G (NM_020473.3); short protein forms C176G.
Identifiers: ClinVar variation 655615 (VCV000655615.11), dbSNP rs371466959, ClinGen allele CA10354149.

ClinVar aggregate classification (germline): Uncertain significance (1 of 4 stars; one submission).

Conditions:
Multiple congenital anomalies-hypotonia-seizures syndrome 2 (MCAHS2). Also called: GLYCOSYLPHOSPHATIDYLINOSITOL BIOSYNTHESIS DEFECT 4; EPILEPTIC ENCEPHALOPATHY, EARLY INFANTILE, 20. Identifiers: Orphanet 300496, MedGen C3275508, MONDO:0010466, OMIM 300868.

Allele frequency attached by ClinVar (database versions not stated): gnomAD exomes 0.00001 and below 0.00001; TOPMed below 0.00001; ExAC 0.00002; ESP Exome Variant Server 0.00009.
gnomAD v4.1: 5 of 1,209,470 alleles (0.00041%); highest among the groups gnomAD compares: African/African-American, 0.0017%; no homozygotes.

Submission:

Labcorp Genetics (formerly Invitae), Labcorp
Classification: Uncertain significance for Multiple congenital anomalies-hypotonia-seizures syndrome 2. Last evaluated: 2025-03-30. Review status: criteria provided, single submitter. Criteria: Invitae Variant Classification Sherloc (09022015). Collection method: clinical testing. Allele origin: germline.
Comment: This sequence change replaces cysteine, which is neutral and slightly polar, with glycine, which is neutral and non-polar, at codon 176 of the PIGA protein (p.Cys176Gly). This variant is present in population databases (rs371466959, gnomAD 0.001%). This variant has not been reported in the literature in individuals affected with PIGA-related conditions. ClinVar contains an entry for this variant (Variation ID: 655615). Invitae Evidence Modeling of protein sequence and biophysical properties (such as structural, functional, and spatial information, amino acid conservation, physicochemical variation, residue mobility, and thermodynamic stability) indicates that this missense variant is not expected to disrupt PIGA protein function with a negative predictive value of 80%. In summary, the available evidence is currently insufficient to determine the role of this variant in disease. Therefore, it has been classified as a Variant of Uncertain Significance.